The following is an entry in ClinVar:

ClinVar aggregate classification (germline): Uncertain significance. Review status: criteria provided, multiple submitters, no conflicts (2 of 4 stars). 3 submissions from 3 submitters: Uncertain significance (3). Last evaluated 2025-09-07.

Conditions:
Hereditary cancer-predisposing syndrome. Also called: Hereditary neoplastic syndrome; Hereditary Cancer Syndrome; Tumor predisposition; Neoplastic Syndromes, Hereditary. Identifiers: Orphanet 140162, MedGen C0027672, MeSH D009386, MONDO:0015356.

Allele frequency attached by ClinVar (database versions not stated): TOPMed below 0.00001; gnomAD exomes 0.00001.
gnomAD v4.1: 7 of 1,613,952 alleles (0.00043%); highest among the groups gnomAD compares: Non-Finnish European, 0.00059%; no homozygotes.

Submissions (3):

Labcorp Genetics (formerly Invitae), Labcorp
Classification: Uncertain significance. Last evaluated: 2025-09-07. Review status: criteria provided, single submitter. Criteria: Invitae Variant Classification Sherloc (09022015). Collection method: clinical testing. Allele origin: germline.
Comment: This sequence change replaces valine, which is neutral and non-polar, with leucine, which is neutral and non-polar, at codon 819 of the POLE protein (p.Val819Leu). This variant is not present in population databases (gnomAD no frequency). This variant has not been reported in the literature in individuals affected with POLE-related conditions. ClinVar contains an entry for this variant (Variation ID: 439264). Invitae Evidence Modeling of protein sequence and biophysical properties (such as structural, functional, and spatial information, amino acid conservation, physicochemical variation, residue mobility, and thermodynamic stability) indicates that this missense variant is expected to disrupt POLE protein function with a positive predictive value of 80%. In summary, the available evidence is currently insufficient to determine the role of this variant in disease. Therefore, it has been classified as a Variant of Uncertain Significance.

Ambry Genetics
Classification: Uncertain significance for Hereditary cancer-predisposing syndrome. Last evaluated: 2024-12-28. Review status: criteria provided, single submitter. Criteria: Ambry Variant Classification Scheme 2023. Collection method: clinical testing. Allele origin: germline.
Comment: The p.V819L variant (also known as c.2455G>C), located in coding exon 21 of the POLE gene, results from a G to C substitution at nucleotide position 2455. The valine at codon 819 is replaced by leucine, an amino acid with highly similar properties. This amino acid position is highly conserved in available vertebrate species. In addition, this alteration is predicted to be deleterious by in silico analysis. Based on the available evidence, the clinical significance of this variant remains unclear.

Quest Diagnostics Nichols Institute San Juan Capistrano
Classification: Uncertain significance. Last evaluated: 2017-04-01. Review status: criteria provided, single submitter. Criteria: Quest Diagnostics criteria. Collection method: clinical testing. Allele origin: germline.

NM_006231.4(POLE):c.2455G>C (p.Val819Leu)

Gene: POLE (DNA polymerase epsilon, catalytic subunit; minus strand). Cytogenetic location: 12q24.33.
Variant type: single nucleotide variant.
Coding change: c.2455G>C on transcript NM_006231.4 (MANE Select); coding-DNA position 2455, G replaced by C.
Protein change: p.Val819Leu; replaces valine 819 with leucine.
Molecular consequence: missense variant.
Genome position (GRCh38, 1-based): chr12:132,665,315, C>G on the plus strand (G>C on the coding strand, the complement: POLE is on the minus strand). VCF-style: chr12-132665315-C-G. GRCh37 (hg19) VCF-style: chr12-133241901-C-G.
Other names: short protein forms V819L.
Identifiers: ClinVar variation 439264 (VCV000439264.13), dbSNP rs1555226692, ClinGen allele CA387396927.